The following is an entry in ClinVar:

NM_002471.4(MYH6):c.3713_3719delinsCCTC (p.Glu1238_Ile1240delinsAlaSer)

Gene: MYH6 (myosin heavy chain 6; minus strand). Cytogenetic location: 14q11.2.
Variant type: Indel.
Coding change: c.3713_3719delinsCCTC on transcript NM_002471.4 (MANE Select); coding-DNA positions 3713 to 3719, AGCAGAT replaced by CCTC.
Protein change: p.Glu1238_Ile1240delinsAlaSer.
Molecular consequence: inframe indel.
Genome position (GRCh38, 1-based): chr14:23,390,070-23,390,076, ATCTGCT replaced by GAGG on the plus strand (AGCAGAT replaced by CCTC on the coding strand, the reverse complement: MYH6 is on the minus strand). VCF-style: chr14-23390070-ATCTGCT-GAGG. GRCh37 (hg19) VCF-style: chr14-23859279-ATCTGCT-GAGG.
Identifiers: ClinVar variation 3222334 (VCV003222334.1), dbSNP rs2502159044, ClinGen allele CA2825002224.
Genomic context (GRCh38, chr14:23,390,070, plus strand): 5'-CTCCGCTGTGCAGGGGAGAGGGCGAGGGGAGGCCGAGCAGAGCCTGCCTTGGCCTTGATG[ATCTGCT>GAGG]CCATGTTGGAGGTGACGTCATCCAGCTCCAGCTTGAACTCGCTCTTCTCCTTCTCCAGCT-3'

ClinVar aggregate classification (germline): Uncertain significance (1 of 4 stars; one submission).

Conditions:
Cardiovascular phenotype. Identifiers: MedGen CN230736.

Submission:

Ambry Genetics
Classification: Uncertain significance for Cardiovascular phenotype. Last evaluated: 2023-10-17. Review status: criteria provided, single submitter. Criteria: Ambry Variant Classification Scheme 2023. Collection method: clinical testing. Allele origin: germline.
Comment: The c.3713_3719delAGCAGATinsCCTC variant (also known as p.E1238_I1240delinsAS), located in coding exon 24 of the MYH6 gene, results from an in-frame deletion of AGCAGAT and insertion of CCTC at nucleotide positions 3713 to 3719. This results in the substitution of the glutamic acid, glutamine, and isoleucine residues at codons 1238 to 1240 for alanine and serine residues. This amino acid region is not well conserved in available vertebrate species. In addition, this alteration is predicted to be deleterious by in silico analysis (Choi Y et al. PLoS ONE. 2012; 7(10):e46688). Since supporting evidence is limited at this time, the clinical significance of this alteration remains unclear.